The following is an entry in ClinVar:

ClinVar aggregate classification (germline): Benign/Likely benign. Review status: criteria provided, multiple submitters, no conflicts (2 of 4 stars). 3 submissions from 3 submitters: Benign (2); Likely benign (1). Last evaluated 2026-01-15.

Conditions:
Neurodevelopmental disorder with or without hyperkinetic movements and seizures, autosomal dominant. Also called: Intellectual disability, autosomal dominant 8. Identifiers: MedGen C3280282, MONDO:0013655, OMIM 614254.

Allele frequency attached by ClinVar (database versions not stated): gnomAD 0.00001 and 0.00002; TOPMed 0.00001; gnomAD exomes 0.00008 and 0.00013; ExAC 0.00014.
gnomAD v4.1: 118 of 1,614,048 alleles (0.0073%); highest among the groups gnomAD compares: South Asian, 0.094%; 1 homozygote.

Submissions (3):

Labcorp Genetics (formerly Invitae), Labcorp
Classification: Benign for Neurodevelopmental disorder with or without hyperkinetic movements and seizures, autosomal dominant. Last evaluated: 2026-01-15. Review status: criteria provided, single submitter. Criteria: Invitae Variant Classification Sherloc (09022015). Collection method: clinical testing. Allele origin: germline.

CeGaT Center for Human Genetics Tuebingen
Classification: Likely benign. Last evaluated: 2023-04-01. Review status: criteria provided, single submitter. Criteria: CeGaT Center For Human Genetics Tuebingen Variant Classification Criteria Version 2. Collection method: clinical testing. Allele origin: germline. Affected: yes. Observed: 3 variant alleles.
Comment: GRIN1: BP4, BP7

GeneDx
Classification: Benign. Last evaluated: 2020-07-06. Review status: criteria provided, single submitter. Criteria: GeneDx Variant Classification Process June 2021. Collection method: clinical testing. Allele origin: germline. Affected: yes.

NM_007327.4(GRIN1):c.264C>T (p.Tyr88=)

Gene: GRIN1 (glutamate ionotropic receptor NMDA type subunit 1; plus strand). Cytogenetic location: 9q34.3.
Variant type: single nucleotide variant.
Coding change: c.264C>T on transcript NM_007327.4 (MANE Select); coding-DNA position 264, C replaced by T.
Protein change: p.Tyr88=; no amino-acid change (tyrosine 88 retained).
Molecular consequence: synonymous variant.
Genome position (GRCh38, 1-based): chr9:137,142,018, C>T. VCF-style: chr9-137142018-C-T. GRCh37 (hg19) VCF-style: chr9-140036470-C-T.
Other names: c.264C>T, p.Tyr88= (NM_000832.7, NM_001185090.2, NM_001185091.2 and 1 more transcripts).
Identifiers: ClinVar variation 1258678 (VCV001258678.31), dbSNP rs199679287, ClinGen allele CA5360608.